The following is an entry in ClinVar:

ClinVar aggregate classification (germline): Conflicting classifications of pathogenicity. Review status: criteria provided, conflicting classifications (1 of 4 stars). 3 submissions from 3 submitters: Uncertain significance (2); Likely benign (1). Last evaluated 2025-10-29.

Conditions:
Cardiovascular phenotype. Identifiers: MedGen CN230736.
Arrhythmogenic cardiomyopathy with wooly hair and keratoderma. Also called: PALMOPLANTAR KERATODERMA WITH LEFT VENTRICULAR CARDIOMYOPATHY AND WOOLLY HAIR; Carvajal syndrome; Dilated cardiomyopathy with woolly hair and keratoderma; Arrhythmogenic cardiomyopathy with woolly hair and keratoderma. Identifiers: Orphanet 65282, MedGen C1854063, MONDO:0011581, OMIM 605676.
Arrhythmogenic right ventricular dysplasia 8 (ARVD8). Also called: ARRHYTHMOGENIC RIGHT VENTRICULAR DYSPLASIA, FAMILIAL, 8; ARRHYTHMOGENIC RIGHT VENTRICULAR CARDIOMYOPATHY 8; Arrhythmogenic Right Ventricular Dysplasia/Cardiomyopathy 8. Identifiers: MedGen C1843896, MONDO:0011831, OMIM 607450.

Allele frequency attached by ClinVar (database versions not stated): gnomAD 0.00001.
gnomAD v4.1: 8 of 1,613,922 alleles (0.0005%); highest among the groups gnomAD compares: South Asian, 0.0077%; no homozygotes.

Submissions (3):

Labcorp Genetics (formerly Invitae), Labcorp
Classification: Likely benign for Arrhythmogenic cardiomyopathy with wooly hair and keratoderma; Arrhythmogenic right ventricular dysplasia 8. Last evaluated: 2025-10-29. Review status: criteria provided, single submitter. Criteria: Invitae Variant Classification Sherloc (09022015). Collection method: clinical testing. Allele origin: germline.

All of Us Research Program, National Institutes of Health
Classification: Uncertain significance for Arrhythmogenic cardiomyopathy with wooly hair and keratoderma. Last evaluated: 2023-04-10. Review status: criteria provided, single submitter. Criteria: ACMG Guidelines, 2015. Collection method: clinical testing. Allele origin: germline. Inheritance: Autosomal dominant inheritance. Observed: 1 variant allele, 1 heterozygote.
Comment: This missense variant replaces aspartic acid with valine at codon 1496 of the DSP protein. Computational prediction suggests that this variant may not impact protein structure and function (internally defined REVEL score threshold <= 0.5, PMID: 27666373). To our knowledge, functional studies have not been reported for this variant. This variant has not been reported in individuals affected with DSP-related disorders in the literature. This variant has been identified in 3/249568 chromosomes in the general population by the Genome Aggregation Database (gnomAD). The available evidence is insufficient to determine the role of this variant in disease conclusively. Therefore, this variant is classified as a Variant of Uncertain Significance.

This study involves interpretation of variants in research participants for the purpose of population health screening. Participant phenotype was not available at the time of variant classification. Additional details can be found in publication PMID: 35346344, PMCID: PMC8962531

Ambry Genetics
Classification: Uncertain significance for Cardiovascular phenotype. Last evaluated: 2023-03-03. Review status: criteria provided, single submitter. Criteria: Ambry Variant Classification Scheme 2023. Collection method: clinical testing. Allele origin: germline.
Comment: The p.D1496V variant (also known as c.4487A>T), located in coding exon 23 of the DSP gene, results from an A to T substitution at nucleotide position 4487. The aspartic acid at codon 1496 is replaced by valine, an amino acid with highly dissimilar properties. This amino acid position is conserved. In addition, this alteration is predicted to be tolerated by in silico analysis. Since supporting evidence is limited at this time, the clinical significance of this alteration remains unclear.

NM_004415.4(DSP):c.4487A>T (p.Asp1496Val)

Gene: DSP (desmoplakin; plus strand). Cytogenetic location: 6p24.3.
Variant type: single nucleotide variant.
Coding change: c.4487A>T on transcript NM_004415.4 (MANE Select); coding-DNA position 4487, A replaced by T.
Protein change: p.Asp1496Val; replaces aspartic acid 1496 with valine.
Molecular consequence: missense variant. On other transcripts: intron variant (2).
Genome position (GRCh38, 1-based): chr6:7,580,677, A>T. VCF-style: chr6-7580677-A-T. GRCh37 (hg19) VCF-style: chr6-7580910-A-T.
Other names: c.4050+437A>T (NM_001319034.2); c.3582+905A>T (NM_001008844.3); short protein forms D1496V.
Identifiers: ClinVar variation 2453267 (VCV002453267.4), dbSNP rs772597308, ClinGen allele CA041735.